The following is an entry in ClinVar:

ClinVar aggregate classification (germline): Likely benign. Review status: criteria provided, multiple submitters, no conflicts (2 of 4 stars). 2 submissions from 2 submitters: Likely benign (2). Last evaluated 2026-08-17.

Conditions:
DICER1-related tumor predisposition. Also called: DICER1 syndrome; DICER1-related pleuropulmonary blastoma cancer predisposition syndrome. Identifiers: Orphanet 284343, MedGen C3839822, MONDO:0100216.

Allele frequency attached by ClinVar (database versions not stated): TOPMed below 0.00001; gnomAD 0.00001.
gnomAD v4.1: 4 of 1,613,436 alleles (0.00025%); highest among the groups gnomAD compares: East Asian, 0.0022%; no homozygotes.

Submissions (2):

Myriad Genetics, Inc.
Classification: Likely benign for DICER1-related tumor predisposition. Last evaluated: 2026-08-17. Review status: criteria provided, single submitter. Criteria: Myriad Autosomal Dominant, Autosomal Recessive and X-Linked Classification Criteria (2023). Collection method: clinical testing. Allele origin: unknown.
Comment: This variant is considered likely benign. This variant is intronic and is not expected to impact mRNA splicing.

Labcorp Genetics (formerly Invitae), Labcorp
Classification: Likely benign for DICER1-related tumor predisposition. Last evaluated: 2025-11-24. Review status: criteria provided, single submitter. Criteria: Invitae Variant Classification Sherloc (09022015). Collection method: clinical testing. Allele origin: germline.

NM_177438.3(DICER1):c.3269+9G>C

Gene: DICER1 (dicer 1, ribonuclease III; minus strand). Cytogenetic location: 14q32.13.
Variant type: single nucleotide variant.
Coding change: c.3269+9G>C on transcript NM_177438.3 (MANE Select); 9 bases into the intron after coding-DNA position 3269, G replaced by C.
Molecular consequence: intron variant.
Genome position (GRCh38, 1-based): chr14:95,105,062, C>G on the plus strand (G>C on the coding strand, the complement: DICER1 is on the minus strand). VCF-style: chr14-95105062-C-G. GRCh37 (hg19) VCF-style: chr14-95571399-C-G.
Other names: c.3269+9G>C (NM_001291628.2, NM_030621.4, NM_001271282.3 and 1 more transcripts).
Identifiers: ClinVar variation 700943 (VCV000700943.13), dbSNP rs761821180, ClinGen allele CA915946377.